The following is an entry in ClinVar:

ClinVar aggregate classification (germline): Uncertain significance (1 of 4 stars; one submission).

Conditions:
Osteogenesis imperfecta type I (OI1). Also called: Lobstein's Disease; Classic Non-deforming Osteogenesis Imperfecta with Blue Sclerae; Lobstein disease; OI, TYPE I; OSTEOGENESIS IMPERFECTA TARDA; OSTEOGENESIS IMPERFECTA WITH BLUE SCLERAE. Identifiers: Orphanet 216796, Orphanet 666, MedGen C0023931, MONDO:0008146, OMIM 166200. Disease mechanism: loss of function.
Ehlers-Danlos syndrome, classic type, 1 (EDSCL1). Also called: Ehlers-Danlos syndrome, type 1; Ehlers-Danlos Syndrome, Classic Type, COL5A1-Related; EDS I; EHLERS-DANLOS SYNDROME, GRAVIS TYPE; EHLERS-DANLOS SYNDROME, SEVERE CLASSIC TYPE. Identifiers: MedGen C0268335, MONDO:0019567, OMIM 130000.

gnomAD v4.1: 3 of 1,614,064 alleles (0.00019%); highest among the groups gnomAD compares: South Asian, 0.0022%; no homozygotes.

Submission:

Labcorp Genetics (formerly Invitae), Labcorp
Classification: Uncertain significance for Osteogenesis imperfecta type I; Ehlers-Danlos syndrome, classic type, 1. Last evaluated: 2019-11-29. Review status: criteria provided, single submitter. Criteria: Invitae Variant Classification Sherloc (09022015). Collection method: clinical testing. Allele origin: germline.
Comment: In summary, the available evidence is currently insufficient to determine the role of this variant in disease. Therefore, it has been classified as a Variant of Uncertain Significance. Algorithms developed to predict the effect of missense changes on protein structure and function are either unavailable or do not agree on the potential impact of this missense change (SIFT: "Deleterious"; PolyPhen-2: "Not Available"; Align-GVGD: "Class C35"). This variant has not been reported in the literature in individuals with COL1A2-related conditions. This variant is not present in population databases (ExAC no frequency). This sequence change replaces proline with threonine at codon 123 of the COL1A2 protein (p.Pro123Thr). The proline residue is highly conserved and there is a small physicochemical difference between proline and threonine.

NM_000089.4(COL1A2):c.367C>A (p.Pro123Thr)

Gene: COL1A2 (collagen type I alpha 2 chain; plus strand). Cytogenetic location: 7q21.3.
Variant type: single nucleotide variant.
Coding change: c.367C>A on transcript NM_000089.4 (MANE Select); coding-DNA position 367, C replaced by A.
Protein change: p.Pro123Thr; replaces proline 123 with threonine.
Molecular consequence: missense variant.
Genome position (GRCh38, 1-based): chr7:94,404,735, C>A. VCF-style: chr7-94404735-C-A. GRCh37 (hg19) VCF-style: chr7-94034047-C-A.
Other names: short protein forms P123T.
Identifiers: ClinVar variation 853681 (VCV000853681.11), dbSNP rs774383359, ClinGen allele CA368219610.